The following is an entry in ClinVar:

NM_001130969.3(NSMF):c.294G>C (p.Gln98His)

Gene: NSMF (NMDA receptor synaptonuclear signaling and neuronal migration factor; minus strand). Cytogenetic location: 9q34.3.
Variant type: single nucleotide variant.
Coding change: c.294G>C on transcript NM_001130969.3 (MANE Select); coding-DNA position 294, G replaced by C.
Protein change: p.Gln98His; replaces glutamine 98 with histidine.
Molecular consequence: missense variant.
Genome position (GRCh38, 1-based): chr9:137,457,741, C>G on the plus strand (G>C on the coding strand, the complement: NSMF is on the minus strand). VCF-style: chr9-137457741-C-G. GRCh37 (hg19) VCF-style: chr9-140352193-C-G.
Other names: c.294G>C, p.Gln98His (NM_001130970.2, NM_001130971.2, NM_001178064.2 and 1 more transcripts); short protein forms Q98H.
Identifiers: ClinVar variation 4701242 (VCV004701242.1).

ClinVar aggregate classification (germline): Uncertain significance (1 of 4 stars; one submission).

gnomAD v4.1: 2 of 1,558,090 alleles (0.00013%); highest among the groups gnomAD compares: South Asian, 0.0012%; no homozygotes.

Submission:

Labcorp Genetics (formerly Invitae), Labcorp
Classification: Uncertain significance. Last evaluated: 2025-04-17. Review status: criteria provided, single submitter. Criteria: Invitae Variant Classification Sherloc (09022015). Collection method: clinical testing. Allele origin: germline.
Comment: This sequence change replaces glutamine, which is neutral and polar, with histidine, which is basic and polar, at codon 98 of the NSMF protein (p.Gln98His). The frequency data for this variant in the population databases is considered unreliable, as metrics indicate poor data quality at this position in the gnomAD database. This variant has not been reported in the literature in individuals affected with NSMF-related conditions. Invitae Evidence Modeling of protein sequence and biophysical properties (such as structural, functional, and spatial information, amino acid conservation, physicochemical variation, residue mobility, and thermodynamic stability) indicates that this missense variant is not expected to disrupt NSMF protein function with a negative predictive value of 80%. In summary, the available evidence is currently insufficient to determine the role of this variant in disease. Therefore, it has been classified as a Variant of Uncertain Significance.